The following is an entry in ClinVar:

NR_002196.3(H19):n.854G>C

Genes: H19 (H19 imprinted maternally expressed transcript; minus strand), MRPL23 (mitochondrial ribosomal protein L23; plus strand). Cytogenetic location: 11p15.5.
Variant type: single nucleotide variant.
Molecular consequence: non-coding transcript variant (on NR_002196.3). On other transcripts: intron variant (1).
Genome position: GRCh38 VCF-style: chr11-1996989-C-G. GRCh37 (hg19) VCF-style: chr11-2018219-C-G.
Other names: c.498-14552C>G (NM_001400176.1).
Identifiers: ClinVar variation 3353511 (VCV003353511.1).

ClinVar aggregate classification (germline): Likely benign (0 of 4 stars; one submission).

Conditions:
H19-related disorder. Also called: H19-related condition.

Submission:

PreventionGenetics, part of Exact Sciences
Classification: Likely benign for H19-related condition. Last evaluated: 2024-04-17. Review status: no assertion criteria provided. Collection method: clinical testing. Allele origin: germline.
Comment: This variant is classified as likely benign based on ACMG/AMP sequence variant interpretation guidelines (Richards et al. 2015 PMID: 25741868, with internal and published modifications).